The following is an entry in ClinVar:

NM_004972.4(JAK2):c.1809G>C (p.Lys603Asn)

Genes: INSL6 (insulin like 6; minus strand), JAK2 (Janus kinase 2; plus strand). Cytogenetic location: 9p24.1.
Variant type: single nucleotide variant.
Coding change: c.1809G>C on transcript NM_004972.4 (MANE Select); coding-DNA position 1809, G replaced by C.
Protein change: p.Lys603Asn; replaces lysine 603 with asparagine.
Molecular consequence: missense variant. On other transcripts: non-coding transcript variant (2).
Genome position (GRCh38, 1-based): chr9:5,073,730, G>C. VCF-style: chr9-5073730-G-C. GRCh37 (hg19) VCF-style: chr9-5073730-G-C.
Other names: c.1809G>C, p.Lys603Asn (NM_001322194.2, NM_001322195.2, NM_001322196.2); c.594G>C, p.Lys198Asn (NM_001322198.2, NM_001322199.2); c.1362G>C, p.Lys454Asn (NM_001322204.2); short protein forms K198N, K454N, K603N.
Identifiers: ClinVar variation 3643847 (VCV003643847.2).
Genomic context (GRCh38, chr9:5,073,730, plus strand): 5'-AATTCTTTGTACTTTTTTTTTTCCTTAGTCTTTCTTTGAAGCAGCAAGTATGATGAGCAA[G>C]CTTTCTCACAAGCATTTGGTTTTAAATTATGGAGTATGTGTCTGTGGAGACGAGAGTAAG-3'
Protein context (NP_004963.1, residues 593-613): SFFEAASMMS[Lys603Asn]LSHKHLVLNY

ClinVar aggregate classification (germline): Uncertain significance (1 of 4 stars; one submission).

gnomAD v4.1: 1 of 1,612,318 alleles (0.000062%); highest among the groups gnomAD compares: South Asian, 0.0011%; no homozygotes.

Submission:

Labcorp Genetics (formerly Invitae), Labcorp
Classification: Uncertain significance. Last evaluated: 2024-03-01. Review status: criteria provided, single submitter. Criteria: Invitae Variant Classification Sherloc (09022015). Collection method: clinical testing. Allele origin: germline.
Comment: This sequence change replaces lysine, which is basic and polar, with asparagine, which is neutral and polar, at codon 603 of the JAK2 protein (p.Lys603Asn). This variant is present in population databases (rs771269665, gnomAD 0.003%). This variant has not been reported in the literature in individuals affected with JAK2-related conditions. Advanced modeling of protein sequence and biophysical properties (such as structural, functional, and spatial information, amino acid conservation, physicochemical variation, residue mobility, and thermodynamic stability) performed at Invitae indicates that this missense variant is not expected to disrupt JAK2 protein function with a negative predictive value of 80%. In summary, the available evidence is currently insufficient to determine the role of this variant in disease. Therefore, it has been classified as a Variant of Uncertain Significance.